The following is an entry in ClinVar:

ClinVar aggregate classification (germline): Benign/Likely benign. Review status: criteria provided, multiple submitters, no conflicts (2 of 4 stars). 8 submissions from 5 submitters: Benign (5); Likely benign (3). Last evaluated 2026-02-02.

Conditions:
Dilated cardiomyopathy 1G (CMD1G). Identifiers: Orphanet 154, MedGen C1858763, MONDO:0011400, OMIM 604145.
Autosomal recessive limb-girdle muscular dystrophy type 2J (LGMDR10). Also called: Limb-girdle muscular dystrophy, type 2J; MUSCULAR DYSTROPHY, LIMB-GIRDLE, AUTOSOMAL RECESSIVE 10. Identifiers: Orphanet 140922, MedGen C1837342, MONDO:0012127, OMIM 608807.
Early-onset myopathy with fatal cardiomyopathy (CMYO5). Also called: CONGENITAL MYOPATHY 5 WITH CARDIOMYOPATHY; Salih Myopathy. Identifiers: Orphanet 289377, MedGen C2673677, MONDO:0012714, OMIM 611705. Disease mechanism: loss of function.
Tibial muscular dystrophy (TMD). Also called: UDD MYOPATHY; Tibial muscular dystrophy, tardive; Udd Distal Myopathy – Tibial Muscular Dystrophy. Identifiers: Orphanet 609, MedGen C1838244, MONDO:0010870, OMIM 600334.
Myopathy, myofibrillar, 9, with early respiratory failure (MFM9). Also called: Hereditary myopathy with early respiratory failure; MYOPATHY, PROXIMAL, WITH EARLY RESPIRATORY MUSCLE INVOLVEMENT; EDSTROM MYOPATHY; Myopathy, distal, with early respiratory failure, autosomal dominant. Identifiers: Orphanet 178464, Orphanet 34521, MedGen C1863599, MONDO:0011362, OMIM 603689.

Allele frequency attached by ClinVar (database versions not stated): gnomAD 0.00001 and 0.00005; TOPMed 0.00003; gnomAD exomes 0.00018; ExAC 0.00021; 1000 Genomes Project 30x 0.00078; 1000 Genomes Project 0.00100.
gnomAD v4.1: 177 of 1,532,890 alleles (0.012%); highest among the groups gnomAD compares: South Asian, 0.18%; 4 homozygotes.

Submissions (8):

Labcorp Genetics (formerly Invitae), Labcorp
Classification: Benign for Dilated cardiomyopathy 1G; Autosomal recessive limb-girdle muscular dystrophy type 2J. Last evaluated: 2026-02-02. Review status: criteria provided, single submitter. Criteria: Invitae Variant Classification Sherloc (09022015). Collection method: clinical testing. Allele origin: germline.

CeGaT Center for Human Genetics Tuebingen
Classification: Likely benign. Last evaluated: 2025-06-01. Review status: criteria provided, single submitter. Criteria: CeGaT Center For Human Genetics Tuebingen Variant Classification Criteria Version 2. Collection method: clinical testing. Allele origin: germline. Affected: yes. Observed: 1 variant allele.
Comment: TTN: BP4

Blueprint Genetics
Classification: Likely benign. Last evaluated: 2024-09-02. Review status: criteria provided, single submitter. Criteria: ACMG Guidelines, 2015. Collection method: clinical testing. Allele origin: germline.

Genome-Nilou Lab
Classification: Benign for Autosomal recessive limb-girdle muscular dystrophy type 2J. Last evaluated: 2021-09-10. Review status: criteria provided, single submitter. Criteria: ACMG Guidelines, 2015. Collection method: clinical testing. Allele origin: germline. Affected: no.

Genome-Nilou Lab
Classification: Benign for Myopathy, myofibrillar, 9, with early respiratory failure. Last evaluated: 2021-09-10. Review status: criteria provided, single submitter. Criteria: ACMG Guidelines, 2015. Collection method: clinical testing. Allele origin: germline. Affected: no.

Genome-Nilou Lab
Classification: Benign for Early-onset myopathy with fatal cardiomyopathy. Last evaluated: 2021-09-10. Review status: criteria provided, single submitter. Criteria: ACMG Guidelines, 2015. Collection method: clinical testing. Allele origin: germline. Affected: no.

Genome-Nilou Lab
Classification: Benign for Tibial muscular dystrophy. Last evaluated: 2021-09-10. Review status: criteria provided, single submitter. Criteria: ACMG Guidelines, 2015. Collection method: clinical testing. Allele origin: germline. Affected: no.

Laboratory for Molecular Medicine, Mass General Brigham Personalized Medicine
Classification: Likely benign. Last evaluated: 2014-07-01. Review status: criteria provided, single submitter. Criteria: LMM Criteria. Collection method: clinical testing. Allele origin: germline. Observed: 1 variant allele.
Comment: 89200+8C>T in intron 296 of TTN: This variant is not expected to have clinical s ignificance because it does not diverge from the splice site consensus sequence and computational tools do not predict an impact to splicing.

NM_001267550.2(TTN):c.96904+8C>T

Genes: TTN (titin; minus strand), TTN-AS1 (TTN antisense RNA 1; plus strand), LOC126806421 (CDK7 strongly-dependent group 2 enhancer GRCh37_chr2:179407630-179408829; plus strand). Cytogenetic location: 2q31.2.
Variant type: single nucleotide variant.
Coding change: c.96904+8C>T on transcript NM_001267550.2 (MANE Select); 8 bases into the intron after coding-DNA position 96904, C replaced by T.
Molecular consequence: intron variant.
Genome position (GRCh38, 1-based): chr2:178,543,061, G>A on the plus strand (C>T on the coding strand, the complement: TTN is on the minus strand). VCF-style: chr2-178543061-G-A. GRCh37 (hg19) VCF-style: chr2-179407788-G-A.
Other names: c.69709+8C>T (NM_003319.4); c.70285+8C>T (NM_133437.4); c.70084+8C>T (NM_133432.3); c.89200+8C>T (NM_133378.4); c.91981+8C>T (NM_001256850.1).
Identifiers: ClinVar variation 165698 (VCV000165698.27), dbSNP rs528358945, ClinGen allele CA178403.